The following is an entry in ClinVar:

NM_080424.4(SP110):c.271C>A (p.Arg91Ser)

Genes: SP110 (SP110 nuclear body protein; minus strand), SP140 (SP140 nuclear body protein; plus strand). Cytogenetic location: 2q37.1.
Variant type: single nucleotide variant.
Coding change: c.271C>A on transcript NM_080424.4 (MANE Select); coding-DNA position 271, C replaced by A.
Protein change: p.Arg91Ser; replaces arginine 91 with serine.
Molecular consequence: missense variant.
Genome position (GRCh38, 1-based): chr2:230,214,995, G>T on the plus strand (C>A on the coding strand, the complement: SP110 is on the minus strand). VCF-style: chr2-230214995-G-T. GRCh37 (hg19) VCF-style: chr2-231079710-G-T.
Other names: c.289C>A, p.Arg97Ser (NM_001185015.2, NM_001378442.1, NM_001378444.1 and 2 more transcripts); c.271C>A, p.Arg91Ser (NM_001378443.1, NM_001378447.1, NM_004509.5 and 1 more transcripts); short protein forms R97S, R91S.
Identifiers: ClinVar variation 656709 (VCV000656709.7), dbSNP rs201053153, ClinGen allele CA2154874.

ClinVar aggregate classification (germline): Uncertain significance. Review status: criteria provided, multiple submitters, no conflicts (2 of 4 stars). 2 submissions from 2 submitters: Uncertain significance (2). Last evaluated 2024-10-21.

Conditions:
Inborn genetic diseases. Identifiers: MedGen C0950123, MeSH D030342.
Hepatic veno-occlusive disease-immunodeficiency syndrome. Also called: Hepatic Veno-Occlusive Disease with Immunodeficiency. Identifiers: Orphanet 79124, MedGen C1856128, MONDO:0009338, OMIM 235550. Disease mechanism: loss of function.

Allele frequency attached by ClinVar (database versions not stated): 1000 Genomes Project 0.00020; 1000 Genomes Project 30x 0.00031.
gnomAD v4.1: 56 of 1,613,832 alleles (0.0035%); highest among the groups gnomAD compares: South Asian, 0.029%; no homozygotes.

Submissions (2):

Labcorp Genetics (formerly Invitae), Labcorp
Classification: Uncertain significance for Hepatic veno-occlusive disease-immunodeficiency syndrome. Last evaluated: 2024-10-21. Review status: criteria provided, single submitter. Criteria: Invitae Variant Classification Sherloc (09022015). Collection method: clinical testing. Allele origin: germline.
Comment: This sequence change replaces arginine, which is basic and polar, with serine, which is neutral and polar, at codon 91 of the SP110 protein (p.Arg91Ser). This variant is present in population databases (rs201053153, gnomAD 0.02%). This variant has not been reported in the literature in individuals affected with SP110-related conditions. ClinVar contains an entry for this variant (Variation ID: 656709). An algorithm developed to predict the effect of missense changes on protein structure and function outputs the following: PolyPhen-2: "Benign". The serine amino acid residue is found in multiple mammalian species, which suggests that this missense change does not adversely affect protein function. In summary, the available evidence is currently insufficient to determine the role of this variant in disease. Therefore, it has been classified as a Variant of Uncertain Significance.

Ambry Genetics
Classification: Uncertain significance for Inborn genetic diseases. Last evaluated: 2022-10-03. Review status: criteria provided, single submitter. Criteria: Ambry Variant Classification Scheme 2023. Collection method: clinical testing. Allele origin: germline.